The following is an entry in ClinVar:

ClinVar aggregate classification (germline): Uncertain significance (1 of 4 stars; one submission).

Conditions:
Neurodevelopmental disorder with poor or absent speech, dysmorphic facies, and behavioral abnormalities. Also called: UMAIR-ALFADHEL NEURODEVELOPMENTAL DISORDER. Identifiers: MedGen C6012716, MONDO:0976285, OMIM 621182.

gnomAD v4.1: 1 of 1,584,996 alleles (0.000063%); no homozygotes.

Submission:

Dasa
Classification: Uncertain significance for Neurodevelopmental disorder with poor or absent speech, dysmorphic facies, and behavioral abnormalities. Last evaluated: 2026-04-12. Review status: criteria provided, single submitter. Criteria: DASA Assertion Criteria. Collection method: clinical testing. Allele origin: germline.
Comment: NM_001024383.2(NAV3):c.6520T>C (p.Trp2174Arg) is a missense variant that results in the substitution of tryptophan with arginine. This variant is absent from population databases. Computational prediction algorithms are consistent with a deleterious effect. The currently available literature and clinical evidence are not sufficient to establish a definitive association between this variant and the reported condition. Therefore, this variant is classified as a variant of uncertain significance.

NM_001024383.2(NAV3):c.6520T>C (p.Trp2174Arg)

Gene: NAV3 (neuron navigator 3; plus strand). Cytogenetic location: 12q21.2.
Variant type: single nucleotide variant.
Coding change: c.6520T>C on transcript NM_001024383.2 (MANE Select); coding-DNA position 6520, T replaced by C.
Protein change: p.Trp2174Arg; replaces tryptophan 2174 with arginine.
Molecular consequence: missense variant.
Genome position (GRCh38, 1-based): chr12:78,199,336, T>C. VCF-style: chr12-78199336-T-C. GRCh37 (hg19) VCF-style: chr12-78593116-T-C.
Other names: c.4891T>C, p.Trp1631Arg (NM_001438019.1); c.6454T>C, p.Trp2152Arg (NM_014903.6); short protein forms W1631R, W2152R, W2174R.
Identifiers: ClinVar variation 4882784 (VCV004882784.2).